The following is an entry in ClinVar:

ClinVar aggregate classification (germline): Uncertain significance (1 of 4 stars; one submission).

Submission:

GeneDx
Classification: Uncertain significance. Last evaluated: 2022-12-14. Review status: criteria provided, single submitter. Criteria: GeneDx Variant Classification Process June 2021. Collection method: clinical testing. Allele origin: germline. Affected: yes.
Comment: Not observed at significant frequency in large population cohorts (gnomAD); In silico analysis supports that this missense variant has a deleterious effect on protein structure/function; Has not been previously published as pathogenic or benign to our knowledge

NM_014991.6(WDFY3):c.4261G>C (p.Ala1421Pro)

Gene: WDFY3 (WD repeat and FYVE domain containing 3; minus strand). Cytogenetic location: 4q21.23.
Variant type: single nucleotide variant.
Coding change: c.4261G>C on transcript NM_014991.6 (MANE Select); coding-DNA position 4261, G replaced by C.
Protein change: p.Ala1421Pro; replaces alanine 1421 with proline.
Molecular consequence: missense variant.
Genome position (GRCh38, 1-based): chr4:84,780,212, C>G on the plus strand (G>C on the coding strand, the complement: WDFY3 is on the minus strand). VCF-style: chr4-84780212-C-G. GRCh37 (hg19) VCF-style: chr4-85701365-C-G.
Other names: short protein forms A1421P.
Identifiers: ClinVar variation 2505793 (VCV002505793.1), dbSNP rs771939707, ClinGen allele CA357550743.